The following is an entry in ClinVar:

ClinVar aggregate classification (germline): Uncertain significance. Review status: criteria provided, multiple submitters, no conflicts (2 of 4 stars). 2 submissions from 2 submitters: Uncertain significance (2). Last evaluated 2024-03-06.

Conditions:
Catecholaminergic polymorphic ventricular tachycardia (CVPT). Also called: Catecholamine-induced polymorphic ventricular tachycardia. Identifiers: Orphanet 3286, MedGen C5574922, MONDO:0017990.
Cardiomyopathy (CMYO). Also called: Cardiomyopathies. Identifiers: Orphanet 167848, MedGen C0878544, MONDO:0004994, HP:0001638. Inheritance: Various modes of inheritance.

Submissions (2):

Color Diagnostics, LLC DBA Color Health
Classification: Uncertain significance for Cardiomyopathy. Last evaluated: 2024-03-06. Review status: criteria provided, single submitter. Criteria: ACMG Guidelines, 2015. Collection method: clinical testing. Allele origin: germline.
Comment: This variant is located in the RYR2 protein. Computational prediction suggests that this variant may have deleterious impact on protein structure and function (internally defined REVEL score threshold >= 0.7, PMID: 27666373). To our knowledge, functional studies have not been reported for this variant. This variant has not been reported in individuals affected with cardiovascular disorders in the literature. This variant has not been identified in the general population by the Genome Aggregation Database (gnomAD). The available evidence is insufficient to determine the role of this variant in disease conclusively. Therefore, this variant is classified as a Variant of Uncertain Significance.

All of Us Research Program, National Institutes of Health
Classification: Uncertain significance for Catecholaminergic polymorphic ventricular tachycardia. Last evaluated: 2023-12-01. Review status: criteria provided, single submitter. Criteria: ACMG Guidelines, 2015. Collection method: clinical testing. Allele origin: germline. Inheritance: Autosomal dominant inheritance. Observed: 2 variant alleles, 2 heterozygotes.
Comment: Variant of Uncertain Significance due to insufficient evidence: This missense variant is located in the cytoplasmic domain of the RYR2 protein. Computational prediction tools and conservation analyses suggest that this variant may have deleterious impact on the protein function. Computational splicing tools suggest that this variant may not impact RNA splicing. To our knowledge, functional assays have not been performed for this variant nor has this variant been reported in individuals affected with cardiovascular disorders in the literature. This variant is rare in the general population and has been identified in 0/277264 chromosomes by the Genome Aggregation Database (gnomAD). Available evidence is insufficient to determine the role of this variant in disease conclusively.

This study involves interpretation of variants in research participants for the purpose of population health screening. Participant phenotype was not available at the time of variant classification. Additional details can be found in publication PMID: 35346344, PMCID: PMC8962531

NM_001035.3(RYR2):c.1568G>A (p.Gly523Glu)

Gene: RYR2 (ryanodine receptor 2; plus strand). Cytogenetic location: 1q43.
Variant type: single nucleotide variant.
Coding change: c.1568G>A on transcript NM_001035.3 (MANE Select); coding-DNA position 1568, G replaced by A.
Protein change: p.Gly523Glu; replaces glycine 523 with glutamic acid.
Molecular consequence: missense variant.
Genome position (GRCh38, 1-based): chr1:237,456,691, G>A. VCF-style: chr1-237456691-G-A. GRCh37 (hg19) VCF-style: chr1-237619991-G-A.
Other names: short protein forms G523E.
Identifiers: ClinVar variation 920737 (VCV000920737.6), dbSNP rs1658865001, ClinGen allele CA345381777.
Genomic context (GRCh38, chr1:237,456,691, plus strand): 5'-ACCGTTTGCACGTCTACAGCAGTGCAGCACACTTTGCTGATGTTGCTGGGCGAGAAGCAG[G>A]AGAGTCTTGGAAATCCATTCTGAATTCTCTGTATGAGTTGCTGGGTAAGAAGCATGATTG-3'
Protein context (NP_001026.2, residues 513-533): HFADVAGREA[Gly523Glu]ESWKSILNSL